The following is an entry in ClinVar:

ClinVar aggregate classification (germline): Pathogenic/Likely pathogenic. Review status: criteria provided, multiple submitters, no conflicts (2 of 4 stars). 4 submissions from 4 submitters: Pathogenic (1); Likely pathogenic (2). 1 of the submissions does not count toward it. Last evaluated 2026-08-23.

Conditions:
Developmental and epileptic encephalopathy, 24 (DEE24). Also called: Epileptic encephalopathy, early infantile, 24. Identifiers: Orphanet 442835, MedGen C4014531, MONDO:0014377, OMIM 615871.
HCN1-related disorder. Also called: HCN1-related disorders; HCN1-related condition.
Epileptic encephalopathy. Identifiers: MedGen C0543888, HP:0200134.

Submissions (4):

PreventionGenetics, part of Exact Sciences
Classification: Pathogenic for HCN1-related condition. Last evaluated: 2026-08-23. Review status: criteria provided, single submitter. Criteria: ACMG Guidelines, 2015. Collection method: clinical testing. Allele origin: germline.
Comment: The HCN1 c.1172G>A variant is predicted to result in the amino acid substitution p.Gly391Asp. This variant was reported to occur de novo in individuals with neonatal epileptic encephalopathy (Spp. Table S12 of Parrini et al. 2017. PubMed ID: 27864847; Marini et al. 2018. PubMed ID: 30351409; Table 1A of Fernández-Marmiesse et al. 2019. PubMed ID: 31780880). Functional studies by Marini et al. demonstrated that the different missense changes at codon 391, including this variant, have different consequences on channel biophysical properties; and the Gly391Asp substitution has the most severe impact on channel function and is associated with the most severe phenotype. This variant has not been reported in a large population database (gnomAD), indicating this variant is rare. This variant is interpreted as pathogenic.

NeuroMeGen, Hospital Clinico Santiago de Compostela
Classification: Likely pathogenic for Developmental and epileptic encephalopathy, 24. Last evaluated: 2018-01-01. Review status: criteria provided, single submitter. Criteria: ACMG Guidelines, 2015. Collection method: clinical testing. Allele origin: de novo. Affected: yes. Observed: 1 heterozygote.

Neurogenetics Laboratory - MEYER, AOU Meyer
Classification: Likely pathogenic for Epileptic encephalopathy. Last evaluated: 2016-11-16. Review status: criteria provided, single submitter. Criteria: ACMG Guidelines, 2015. Collection method: clinical testing. Allele origin: de novo. Affected: yes. Observed: 1 heterozygote.

OMIM
Classification: Pathogenic for DEVELOPMENTAL AND EPILEPTIC ENCEPHALOPATHY 24. Last evaluated: 2020-10-13. Review status: no assertion criteria provided. Collection method: literature only. Allele origin: germline. Not counted in ClinVar's aggregate classification.

Literature cited by the submitters: PubMed 30351409 (cited by OMIM).

NM_021072.4(HCN1):c.1172G>A (p.Gly391Asp)

Gene: HCN1 (hyperpolarization activated cyclic nucleotide gated potassium channel 1; minus strand). Cytogenetic location: 5p12.
Variant type: single nucleotide variant.
Coding change: c.1172G>A on transcript NM_021072.4 (MANE Select); coding-DNA position 1172, G replaced by A.
Protein change: p.Gly391Asp; replaces glycine 391 with aspartic acid.
Molecular consequence: missense variant.
Genome position (GRCh38, 1-based): chr5:45,396,550, C>T on the plus strand (G>A on the coding strand, the complement: HCN1 is on the minus strand). VCF-style: chr5-45396550-C-T. GRCh37 (hg19) VCF-style: chr5-45396652-C-T.
Other names: short protein forms G391D.
Identifiers: ClinVar variation 375529 (VCV000375529.5), dbSNP rs1057519547, ClinGen allele CA16044317.
Genomic context (GRCh38, chr5:45,396,550, plus strand): 5'-ACCTTCTCTTGATACTGCCGCCTCGAAGAATCCAGAGACTGGATTAAAGCGGTGGCATGG[C>T]CGACAAACATGGCATAGCAGGTGGCCCCGACGATCATGCTCAGCATGGTAATCCAGAGGT-3'
Protein context (NP_066550.2, residues 381-401): VGATCYAMFV[Gly391Asp]HATALIQSLD